The following is an entry in ClinVar:

NM_014639.4(SKIC3):c.359A>C (p.Lys120Thr)

Gene: SKIC3 (SKI3 subunit of superkiller complex; minus strand). Cytogenetic location: 5q15.
Variant type: single nucleotide variant.
Coding change: c.359A>C on transcript NM_014639.4 (MANE Select); coding-DNA position 359, A replaced by C.
Protein change: p.Lys120Thr; replaces lysine 120 with threonine.
Molecular consequence: missense variant.
Genome position (GRCh38, 1-based): chr5:95,541,348, T>G on the plus strand (A>C on the coding strand, the complement: SKIC3 is on the minus strand). VCF-style: chr5-95541348-T-G. GRCh37 (hg19) VCF-style: chr5-94877052-T-G.
Other names: short protein forms K120T.
Identifiers: ClinVar variation 2037448 (VCV002037448.1), dbSNP rs760753364, ClinGen allele CA360444038.

ClinVar aggregate classification (germline): Uncertain significance (1 of 4 stars; one submission).

Allele frequency attached by ClinVar (database versions not stated): gnomAD 0.00002.
gnomAD v4.1: 3 of 1,613,572 alleles (0.00019%); highest among the groups gnomAD compares: African/African-American, 0.004%; no homozygotes.

Submission:

Labcorp Genetics (formerly Invitae), Labcorp
Classification: Uncertain significance. Last evaluated: 2022-10-05. Review status: criteria provided, single submitter. Criteria: Invitae Variant Classification Sherloc (09022015). Collection method: clinical testing. Allele origin: germline.
Comment: This sequence change replaces lysine, which is basic and polar, with threonine, which is neutral and polar, at codon 120 of the TTC37 protein (p.Lys120Thr). This variant is present in population databases (no rsID available, gnomAD 0.01%). This variant has not been reported in the literature in individuals affected with TTC37-related conditions. Algorithms developed to predict the effect of missense changes on protein structure and function are either unavailable or do not agree on the potential impact of this missense change (SIFT: "Deleterious"; PolyPhen-2: "Benign"; Align-GVGD: "Class C0"). In summary, the available evidence is currently insufficient to determine the role of this variant in disease. Therefore, it has been classified as a Variant of Uncertain Significance.